The following is an entry in ClinVar:

NM_006662.3(SRCAP):c.2089A>T (p.Thr697Ser)

Gene: SRCAP (Snf2 related CREBBP activator protein; plus strand). Cytogenetic location: 16p11.2.
Variant type: single nucleotide variant.
Coding change: c.2089A>T on transcript NM_006662.3 (MANE Select); coding-DNA position 2089, A replaced by T.
Protein change: p.Thr697Ser; replaces threonine 697 with serine.
Molecular consequence: missense variant.
Genome position (GRCh38, 1-based): chr16:30,712,774, A>T. VCF-style: chr16-30712774-A-T. GRCh37 (hg19) VCF-style: chr16-30724095-A-T.
Other names: short protein forms T697S.
Identifiers: ClinVar variation 2077214 (VCV002077214.4), dbSNP rs762656892, ClinGen allele CA8011131.

ClinVar aggregate classification (germline): Uncertain significance (1 of 4 stars; one submission).

Allele frequency attached by ClinVar (database versions not stated): gnomAD exomes 0.00001; ExAC 0.00002.

Submission:

Labcorp Genetics (formerly Invitae), Labcorp
Classification: Uncertain significance. Last evaluated: 2024-02-24. Review status: criteria provided, single submitter. Criteria: Invitae Variant Classification Sherloc (09022015). Collection method: clinical testing. Allele origin: germline.
Comment: This sequence change replaces threonine, which is neutral and polar, with serine, which is neutral and polar, at codon 697 of the SRCAP protein (p.Thr697Ser). This variant is present in population databases (rs762656892, gnomAD 0.01%). This variant has not been reported in the literature in individuals affected with SRCAP-related conditions. ClinVar contains an entry for this variant (Variation ID: 2077214). Advanced modeling of protein sequence and biophysical properties (such as structural, functional, and spatial information, amino acid conservation, physicochemical variation, residue mobility, and thermodynamic stability) performed at Invitae indicates that this missense variant is not expected to disrupt SRCAP protein function with a negative predictive value of 80%. In summary, the available evidence is currently insufficient to determine the role of this variant in disease. Therefore, it has been classified as a Variant of Uncertain Significance.